The following is an entry in ClinVar:

NM_020822.3(KCNT1):c.181G>A (p.Val61Met)

Gene: KCNT1 (potassium sodium-activated channel subfamily T member 1; plus strand). Cytogenetic location: 9q34.3.
Variant type: single nucleotide variant.
Coding change: c.181G>A on transcript NM_020822.3 (MANE Select); coding-DNA position 181, G replaced by A.
Protein change: p.Val61Met; replaces valine 61 with methionine.
Molecular consequence: missense variant. On other transcripts: intron variant (1).
Genome position (GRCh38, 1-based): chr9:135,714,647, G>A. VCF-style: chr9-135714647-G-A. GRCh37 (hg19) VCF-style: chr9-138606493-G-A.
Other names: c.110+12279G>A (NM_001272003.2); short protein forms V61M.
Identifiers: ClinVar variation 1517051 (VCV001517051.6), dbSNP rs1337263243, ClinGen allele CA375493332.

ClinVar aggregate classification (germline): Uncertain significance (1 of 4 stars; one submission).

Conditions:
Developmental and epileptic encephalopathy, 14 (DEE14). Also called: Early infantile epileptic encephalopathy 14. Identifiers: Orphanet 293181, MedGen C3554195, MONDO:0013989, OMIM 614959.
Autosomal dominant nocturnal frontal lobe epilepsy 5. Also called: KCNT1-Related Epilepsy; Epilepsy, nocturnal frontal lobe, 5; CILIARY DYSKINESIA, PRIMARY, 28, WITHOUT SITUS INVERSUS; CILIARY DYSKINESIA, PRIMARY, 28, WITH SITUS INVERSUS. Identifiers: Orphanet 98784, MedGen C3554306, MONDO:0014002, OMIM 615005.

Allele frequency attached by ClinVar (database versions not stated): TOPMed below 0.00001; gnomAD 0.00001.

Submission:

Labcorp Genetics (formerly Invitae), Labcorp
Classification: Uncertain significance for Autosomal dominant nocturnal frontal lobe epilepsy 5; Developmental and epileptic encephalopathy, 14. Last evaluated: 2022-03-22. Review status: criteria provided, single submitter. Criteria: Invitae Variant Classification Sherloc (09022015). Collection method: clinical testing. Allele origin: germline.
Comment: In summary, the available evidence is currently insufficient to determine the role of this variant in disease. Therefore, it has been classified as a Variant of Uncertain Significance. Advanced modeling of protein sequence and biophysical properties (such as structural, functional, and spatial information, amino acid conservation, physicochemical variation, residue mobility, and thermodynamic stability) performed at Invitae indicates that this missense variant is not expected to disrupt KCNT1 protein function. This variant has not been reported in the literature in individuals affected with KCNT1-related conditions. This variant is not present in population databases (gnomAD no frequency). This sequence change replaces valine, which is neutral and non-polar, with methionine, which is neutral and non-polar, at codon 61 of the KCNT1 protein (p.Val61Met).